The following is an entry in ClinVar:

NM_006118.4(HAX1):c.475G>C (p.Asp159His)

Gene: HAX1 (HCLS1 associated protein X-1; plus strand). Cytogenetic location: 1q21.3.
Variant type: single nucleotide variant.
Coding change: c.475G>C on transcript NM_006118.4 (MANE Select); coding-DNA position 475, G replaced by C.
Protein change: p.Asp159His; replaces aspartic acid 159 with histidine.
Molecular consequence: missense variant.
Genome position (GRCh38, 1-based): chr1:154,273,932, G>C. VCF-style: chr1-154273932-G-C. GRCh37 (hg19) VCF-style: chr1-154246408-G-C.
Other names: c.331G>C, p.Asp111His (NM_001018837.2); short protein forms D111H, D159H.
Identifiers: ClinVar variation 3856862 (VCV003856862.1).

ClinVar aggregate classification (germline): Uncertain significance (1 of 4 stars; one submission).

Conditions:
Inborn genetic diseases. Identifiers: MedGen C0950123, MeSH D030342.

Submission:

Ambry Genetics
Classification: Uncertain significance for Inborn genetic diseases. Last evaluated: 2024-12-21. Review status: criteria provided, single submitter. Criteria: Ambry Variant Classification Scheme 2023. Collection method: clinical testing. Allele origin: germline.
Comment: The p.D159H variant (also known as c.475G>C), located in coding exon 3 of the HAX1 gene, results from a G to C substitution at nucleotide position 475. The aspartic acid at codon 159 is replaced by histidine, an amino acid with similar properties. This amino acid position is conserved. In addition, this alteration is predicted to be tolerated by in silico analysis. Based on the available evidence, the clinical significance of this variant remains unclear.